The following is an entry in ClinVar:

NM_006033.4(LIPG):c.830C>A (p.Ala277Asp)

Gene: LIPG (lipase G, endothelial type; plus strand). Cytogenetic location: 18q21.1.
Variant type: single nucleotide variant.
Coding change: c.830C>A on transcript NM_006033.4 (MANE Select); coding-DNA position 830, C replaced by A.
Protein change: p.Ala277Asp; replaces alanine 277 with aspartic acid.
Molecular consequence: missense variant.
Genome position (GRCh38, 1-based): chr18:49,581,451, C>A. VCF-style: chr18-49581451-C-A. GRCh37 (hg19) VCF-style: chr18-47107821-C-A.
Other names: c.608C>A, p.Ala203Asp (NM_001308006.2); short protein forms A203D, A277D.
Identifiers: ClinVar variation 2901037 (VCV002901037.3), dbSNP rs1331901550, ClinGen allele CA402420791.

ClinVar aggregate classification (germline): Uncertain significance (1 of 4 stars; one submission).

Allele frequency attached by ClinVar (database versions not stated): gnomAD 0.00001; gnomAD exomes 0.00001; TOPMed 0.00001.
gnomAD v4.1: 13 of 1,614,078 alleles (0.00081%); highest among the groups gnomAD compares: Non-Finnish European, 0.0011%; no homozygotes.

Submission:

Labcorp Genetics (formerly Invitae), Labcorp
Classification: Uncertain significance. Last evaluated: 2025-04-13. Review status: criteria provided, single submitter. Criteria: Invitae Variant Classification Sherloc (09022015). Collection method: clinical testing. Allele origin: germline.
Comment: This sequence change replaces alanine, which is neutral and non-polar, with aspartic acid, which is acidic and polar, at codon 277 of the LIPG protein (p.Ala277Asp). The frequency data for this variant in the population databases is considered unreliable, as metrics indicate poor data quality at this position in the gnomAD database. This variant has not been reported in the literature in individuals affected with LIPG-related conditions. ClinVar contains an entry for this variant (Variation ID: 2901037). An algorithm developed to predict the effect of missense changes on protein structure and function (PolyPhen-2) suggests that this variant is likely to be disruptive. In summary, the available evidence is currently insufficient to determine the role of this variant in disease. Therefore, it has been classified as a Variant of Uncertain Significance.